The following is an entry in ClinVar:

ClinVar aggregate classification (germline): Uncertain significance (1 of 4 stars; one submission).

Conditions:
Immunodeficiency 39 (IMD39). Identifiers: Orphanet 574918, MedGen C4225358, MONDO:0014597, OMIM 616345.

Submission:

Labcorp Genetics (formerly Invitae), Labcorp
Classification: Uncertain significance for Immunodeficiency 39. Last evaluated: 2019-07-23. Review status: criteria provided, single submitter. Criteria: Invitae Variant Classification Sherloc (09022015). Collection method: clinical testing. Allele origin: germline.
Comment: In summary, the available evidence is currently insufficient to determine the role of this variant in disease. Therefore, it has been classified as a Variant of Uncertain Significance. Nucleotide substitutions within the consensus splice site are a relatively common cause of aberrant splicing (PMID: 17576681, 9536098). Algorithms developed to predict the effect of sequence changes on RNA splicing suggest that this variant may disrupt the consensus splice site, but this prediction has not been confirmed by published transcriptional studies. This variant has not been reported in the literature in individuals with IRF7-related conditions. The frequency data for this variant in the population databases is considered unreliable, as metrics indicate insufficient coverage at this position in the ExAC database. This sequence change falls in intron 1 of the IRF7 gene. It does not directly change the encoded amino acid sequence of the IRF7 protein, but it affects a nucleotide within the consensus splice site of the intron.

Literature cited by the submitters: PubMed 17576681; PubMed 9536098.

NM_001572.5(IRF7):c.184-4_184-3delinsCT

Gene: IRF7 (interferon regulatory factor 7; minus strand). Cytogenetic location: 11p15.5.
Variant type: Indel.
Coding change: c.184-4_184-3delinsCT on transcript NM_001572.5 (MANE Select); 4 bases into the intron before coding-DNA position 184 through 3 bases into the intron before coding-DNA position 184, TC replaced by CT.
Molecular consequence: intron variant.
Genome position (GRCh38, 1-based): chr11:615,010-615,011, GA replaced by AG on the plus strand (TC replaced by CT on the coding strand, the reverse complement: IRF7 is on the minus strand). VCF-style: chr11-615010-GA-AG. GRCh37 (hg19) VCF-style: chr11-615010-GA-AG.
Other names: c.184-4_184-3delinsCT (NM_004029.4); c.223-4_223-3delinsCT (NM_004031.4).
Identifiers: ClinVar variation 3010809 (VCV003010809.3), dbSNP rs386749598, ClinGen allele CA2740093572.